The following is an entry in ClinVar:

ClinVar aggregate classification (germline): Uncertain significance (1 of 4 stars; one submission).

Submission:

Labcorp Genetics (formerly Invitae), Labcorp
Classification: Uncertain significance. Last evaluated: 2022-01-02. Review status: criteria provided, single submitter. Criteria: Invitae Variant Classification Sherloc (09022015). Collection method: clinical testing. Allele origin: germline.
Comment: In summary, the available evidence is currently insufficient to determine the role of this variant in disease. Therefore, it has been classified as a Variant of Uncertain Significance. Algorithms developed to predict the effect of missense changes on protein structure and function are either unavailable or do not agree on the potential impact of this missense change (SIFT: "Deleterious"; PolyPhen-2: "Not Available"; Align-GVGD: "Class C0"). This variant has not been reported in the literature in individuals affected with CDH23-related conditions. This variant is not present in population databases (gnomAD no frequency). This sequence change replaces valine, which is neutral and non-polar, with alanine, which is neutral and non-polar, at codon 2835 of the CDH23 protein (p.Val2835Ala).

NM_022124.6(CDH23):c.8504T>C (p.Val2835Ala)

Gene: CDH23 (cadherin related 23; plus strand). Cytogenetic location: 10q22.1.
Variant type: single nucleotide variant.
Coding change: c.8504T>C on transcript NM_022124.6 (MANE Select); coding-DNA position 8504, T replaced by C.
Protein change: p.Val2835Ala; replaces valine 2835 with alanine.
Molecular consequence: missense variant.
Genome position (GRCh38, 1-based): chr10:71,807,711, T>C. VCF-style: chr10-71807711-T-C. GRCh37 (hg19) VCF-style: chr10-73567468-T-C.
Other names: c.1784T>C, p.Val595Ala (NM_001171933.1, NM_001171934.1); short protein forms V595A, V2835A.
Identifiers: ClinVar variation 1903745 (VCV001903745.5), dbSNP rs2494436391, ClinGen allele CA377131676.